The following is an entry in ClinVar:

NM_003801.4(GPAA1):c.787G>A (p.Gly263Ser)

Gene: GPAA1 (glycosylphosphatidylinositol anchor attachment 1; plus strand). Cytogenetic location: 8q24.3.
Variant type: single nucleotide variant.
Coding change: c.787G>A on transcript NM_003801.4 (MANE Select); coding-DNA position 787, G replaced by A.
Protein change: p.Gly263Ser; replaces glycine 263 with serine.
Molecular consequence: missense variant.
Genome position (GRCh38, 1-based): chr8:144,084,304, G>A. VCF-style: chr8-144084304-G-A. GRCh37 (hg19) VCF-style: chr8-145139207-G-A.
Other names: short protein forms G263S.
Identifiers: ClinVar variation 1968862 (VCV001968862.3), dbSNP rs782222206, ClinGen allele CA4932920.

ClinVar aggregate classification (germline): Uncertain significance (1 of 4 stars; one submission).

Allele frequency attached by ClinVar (database versions not stated): ExAC 0.00001; gnomAD exomes 0.00001; gnomAD 0.00002; TOPMed 0.00002.

Submission:

Labcorp Genetics (formerly Invitae), Labcorp
Classification: Uncertain significance. Last evaluated: 2024-01-28. Review status: criteria provided, single submitter. Criteria: Invitae Variant Classification Sherloc (09022015). Collection method: clinical testing. Allele origin: germline.
Comment: This sequence change replaces glycine, which is neutral and non-polar, with serine, which is neutral and polar, at codon 263 of the GPAA1 protein (p.Gly263Ser). This variant is present in population databases (rs782222206, gnomAD 0.003%). This variant has not been reported in the literature in individuals affected with GPAA1-related conditions. ClinVar contains an entry for this variant (Variation ID: 1968862). Advanced modeling of protein sequence and biophysical properties (such as structural, functional, and spatial information, amino acid conservation, physicochemical variation, residue mobility, and thermodynamic stability) performed at Invitae indicates that this missense variant is not expected to disrupt GPAA1 protein function with a negative predictive value of 80%. In summary, the available evidence is currently insufficient to determine the role of this variant in disease. Therefore, it has been classified as a Variant of Uncertain Significance.